The following is an entry in ClinVar:

ClinVar aggregate classification (germline): Uncertain significance (1 of 4 stars; one submission).

Submission:

Labcorp Genetics (formerly Invitae), Labcorp
Classification: Uncertain significance. Last evaluated: 2025-11-18. Review status: criteria provided, single submitter. Criteria: Invitae Variant Classification Sherloc (09022015). Collection method: clinical testing. Allele origin: germline.
Comment: This sequence change creates a premature translational stop signal (p.Ala604Profs*4) in the SH3PXD2B gene. While this is not anticipated to result in nonsense mediated decay, it is expected to disrupt the last 308 amino acid(s) of the SH3PXD2B protein. This variant is not present in population databases (gnomAD no frequency). This variant has not been reported in the literature in individuals affected with SH3PXD2B-related conditions. Experimental studies and prediction algorithms are not available or were not evaluated, and the functional significance of this variant is currently unknown. In summary, the available evidence is currently insufficient to determine the role of this variant in disease. Therefore, it has been classified as a Variant of Uncertain Significance.

NM_001017995.3(SH3PXD2B):c.1810del (p.Ala604fs)

Gene: SH3PXD2B (SH3 and PX domains 2B; minus strand). Cytogenetic location: 5q35.1.
Variant type: Deletion.
Coding change: c.1810del on transcript NM_001017995.3 (MANE Select); coding-DNA position 1810, one base deleted (G; older notation c.1810delG).
Protein change: p.Ala604fs; shifts the reading frame from alanine 604.
Molecular consequence: frameshift variant. On other transcripts: intron variant (1).
Genome position (GRCh38, 1-based): chr5:172,339,295, C deleted on the plus strand (G on the coding strand, the reverse complement: SH3PXD2B is on the minus strand); the first of 2 consecutive C bases (chr5:172,339,295-172,339,296); deleting either gives the same sequence. VCF-style (leftmost placement, unchanged base first): chr5-172339294-GC-G. GRCh37 (hg19) VCF-style: chr5-171766298-GC-G.
Other names: c.1188+6841del (NM_001308175.2); short protein forms A604fs.
Identifiers: ClinVar variation 4730900 (VCV004730900.1).